The following is an entry in ClinVar:

NM_002291.3(LAMB1):c.3659_3660del (p.Val1220fs)

Gene: LAMB1 (laminin subunit beta 1; minus strand). Cytogenetic location: 7q31.1.
Variant type: Microsatellite.
Coding change: c.3659_3660del on transcript NM_002291.3 (MANE Select); coding-DNA positions 3659 to 3660, 2 bases deleted (TG; older notation c.3659_3660delTG).
Protein change: p.Val1220fs; shifts the reading frame from valine 1220.
Molecular consequence: frameshift variant.
Genome position (GRCh38, 1-based): chr7:107,940,090-107,940,091, CA deleted on the plus strand (TG on the coding strand, the reverse complement: LAMB1 is on the minus strand); deleting any 2 consecutive bases within chr7:107,940,090-107,940,093 gives the same sequence; the c. name uses the placement nearest the transcript's 3' end. VCF-style (leftmost placement, unchanged base first): chr7-107940089-CCA-C. GRCh37 (hg19) VCF-style: chr7-107580534-CCA-C.
Other names: short protein forms V1220fs.
Identifiers: ClinVar variation 2898761 (VCV002898761.3), dbSNP rs2535408940, ClinGen allele CA2684478188.

ClinVar aggregate classification (germline): Pathogenic (1 of 4 stars; one submission).

Submission:

Labcorp Genetics (formerly Invitae), Labcorp
Classification: Pathogenic. Last evaluated: 2023-03-15. Review status: criteria provided, single submitter. Criteria: Invitae Variant Classification Sherloc (09022015). Collection method: clinical testing. Allele origin: germline.
Comment: This sequence change creates a premature translational stop signal (p.Val1220Glyfs*31) in the LAMB1 gene. It is expected to result in an absent or disrupted protein product. Loss-of-function variants in LAMB1 are known to be pathogenic (PMID: 23472759, 25925986). For these reasons, this variant has been classified as Pathogenic. This variant has not been reported in the literature in individuals affected with LAMB1-related conditions. This variant is not present in population databases (gnomAD no frequency).

Literature cited by the submitters: PubMed 23472759; PubMed 25925986.